The following is an entry in ClinVar:

NM_001930.4(DHPS):c.314C>A (p.Ser105Tyr)

Gene: DHPS (deoxyhypusine synthase; minus strand). Cytogenetic location: 19p13.13.
Variant type: single nucleotide variant.
Coding change: c.314C>A on transcript NM_001930.4 (MANE Select); coding-DNA position 314, C replaced by A.
Protein change: p.Ser105Tyr; replaces serine 105 with tyrosine.
Molecular consequence: missense variant. On other transcripts: 5 prime UTR variant (1), non-coding transcript variant (4).
Genome position (GRCh38, 1-based): chr19:12,680,219, G>T on the plus strand (C>A on the coding strand, the complement: DHPS is on the minus strand). VCF-style: chr19-12680219-G-T. GRCh37 (hg19) VCF-style: chr19-12791033-G-T.
Other names: c.188C>A, p.Ser63Tyr (NM_001206974.2); c.314C>A, p.Ser105Tyr (NM_001369691.1, NM_001369692.1, NM_013406.3); c.-201C>A (NM_001369693.1); short protein forms S105Y, S63Y.
Identifiers: ClinVar variation 3769837 (VCV003769837.2).

ClinVar aggregate classification (germline): Uncertain significance (1 of 4 stars; one submission).

Submission:

GeneDx
Classification: Uncertain significance. Last evaluated: 2025-08-02. Review status: criteria provided, single submitter. Criteria: GeneDx Variant Classification Process June 2021. Collection method: clinical testing. Allele origin: germline.
Comment: Not observed at significant frequency in large population cohorts (gnomAD); In silico analysis supports that this missense variant has a deleterious effect on protein structure/function; Has not been previously published as pathogenic or benign to our knowledge